The following is an entry in ClinVar:

ClinVar aggregate classification (germline): Uncertain significance. Review status: criteria provided, multiple submitters, no conflicts (2 of 4 stars). 4 submissions from 4 submitters: Uncertain significance (4). Last evaluated 2025-10-01.

Conditions:
EFEMP2-related disorder. Also called: EFEMP2-related condition.
Cardiovascular phenotype. Identifiers: MedGen CN230736.
Cutis laxa, autosomal recessive, type 1B (ARCL1B). Also called: CUTIS LAXA, AUTOSOMAL RECESSIVE, TYPE IB; EFEMP2-Related Cutis Laxa. Identifiers: Orphanet 90349, MedGen C3280798, MONDO:0013754, OMIM 614437. Disease mechanism: loss of function.

Allele frequency attached by ClinVar (database versions not stated): gnomAD 0.00001; TOPMed 0.00001; ExAC 0.00002; gnomAD exomes 0.00002 and 0.00005; ESP Exome Variant Server 0.00008.
gnomAD v4.1: 76 of 1,614,052 alleles (0.0047%); highest among the groups gnomAD compares: Non-Finnish European, 0.0058%; no homozygotes.

Submissions (4):

PreventionGenetics, part of Exact Sciences
Classification: Uncertain significance for EFEMP2-related condition. Last evaluated: 2025-10-01. Review status: criteria provided, single submitter. Criteria: ACMG Guidelines, 2015. Collection method: clinical testing. Allele origin: germline.
Comment: The EFEMP2 c.1217C>T variant is predicted to result in the amino acid substitution p.Thr406Met. To our knowledge, this variant has not been reported in the literature. This variant is reported in 0.0080% of alleles in individuals of African descent in gnomAD. At this time, the clinical significance of this variant is uncertain due to the absence of conclusive functional and genetic evidence.

Women's Health and Genetics/Laboratory Corporation of America, LabCorp
Classification: Uncertain significance. Last evaluated: 2024-08-28. Review status: criteria provided, single submitter. Criteria: LabCorp Variant Classification Summary - May 2015. Collection method: clinical testing. Allele origin: germline.
Comment: Variant summary: EFEMP2 c.1217C>T (p.Thr406Met) results in a non-conservative amino acid change located in the Fibulin, C-terminal Ig-like domain (IPR055088) of the encoded protein sequence. Three of five in-silico tools predict a damaging effect of the variant on protein function. The variant allele was found at a frequency of 1.6e-05 in 251242 control chromosomes. The available data on variant occurrences in the general population are insufficient to allow any conclusion about variant significance. To our knowledge, no occurrence of c.1217C>T in individuals affected with Autosomal Recessive Cutis Laxa and no experimental evidence demonstrating its impact on protein function have been reported. ClinVar contains an entry for this variant (Variation ID: 1018287). Based on the evidence outlined above, the variant was classified as uncertain significance.

Ambry Genetics
Classification: Uncertain significance for Cardiovascular phenotype. Last evaluated: 2024-05-23. Review status: criteria provided, single submitter. Criteria: Ambry Variant Classification Scheme 2023. Collection method: clinical testing. Allele origin: germline.
Comment: The p.T406M variant (also known as c.1217C>T), located in coding exon 10 of the EFEMP2 gene, results from a C to T substitution at nucleotide position 1217. The threonine at codon 406 is replaced by methionine, an amino acid with similar properties. This amino acid position is not well conserved in available vertebrate species. In addition, the in silico prediction for this alteration is inconclusive. Based on the available evidence, the clinical significance of this variant remains unclear.

Labcorp Genetics (formerly Invitae), Labcorp
Classification: Uncertain significance for Cutis laxa, autosomal recessive, type 1B. Last evaluated: 2022-08-09. Review status: criteria provided, single submitter. Criteria: Invitae Variant Classification Sherloc (09022015). Collection method: clinical testing. Allele origin: germline.
Comment: This sequence change replaces threonine, which is neutral and polar, with methionine, which is neutral and non-polar, at codon 406 of the EFEMP2 protein (p.Thr406Met). This variant is present in population databases (rs372299119, gnomAD 0.008%). This variant has not been reported in the literature in individuals affected with EFEMP2-related conditions. ClinVar contains an entry for this variant (Variation ID: 1018287). Algorithms developed to predict the effect of missense changes on protein structure and function (SIFT, PolyPhen-2, Align-GVGD) all suggest that this variant is likely to be disruptive. In summary, the available evidence is currently insufficient to determine the role of this variant in disease. Therefore, it has been classified as a Variant of Uncertain Significance.

NM_016938.5(EFEMP2):c.1217C>T (p.Thr406Met)

Genes: EFEMP2 (EGF-like fibulin extracellular matrix protein 2; minus strand), MUS81 (MUS81 structure-specific endonuclease subunit; plus strand). Cytogenetic location: 11q13.1.
Variant type: single nucleotide variant.
Coding change: c.1217C>T on transcript NM_016938.5 (MANE Select); coding-DNA position 1217, C replaced by T.
Protein change: p.Thr406Met; replaces threonine 406 with methionine.
Molecular consequence: missense variant. On other transcripts: non-coding transcript variant (1).
Genome position (GRCh38, 1-based): chr11:65,867,033, G>A on the plus strand (C>T on the coding strand, the complement: EFEMP2 is on the minus strand). VCF-style: chr11-65867033-G-A. GRCh37 (hg19) VCF-style: chr11-65634504-G-A.
Other names: c.1217C>T (NM_016938.4); short protein forms T406M.
Identifiers: ClinVar variation 1018287 (VCV001018287.8), dbSNP rs372299119, ClinGen allele CA6110366.